The following is an entry in ClinVar:

NM_024598.4(USB1):c.736G>T (p.Val246Leu)

Gene: USB1 (U6 snRNA biogenesis phosphodiesterase 1; plus strand). Cytogenetic location: 16q21.
Variant type: single nucleotide variant.
Coding change: c.736G>T on transcript NM_024598.4 (MANE Select); coding-DNA position 736, G replaced by T.
Protein change: p.Val246Leu; replaces valine 246 with leucine.
Molecular consequence: missense variant.
Genome position (GRCh38, 1-based): chr16:58,020,183, G>T. VCF-style: chr16-58020183-G-T. GRCh37 (hg19) VCF-style: chr16-58054087-G-T.
Other names: c.682G>T, p.Val228Leu (NM_001195302.2); c.583G>T, p.Val195Leu (NM_001330568.2); short protein forms V195L, V228L, V246L.
Identifiers: ClinVar variation 4824759 (VCV004824759.1).

ClinVar aggregate classification (germline): Uncertain significance (1 of 4 stars; one submission).

Conditions:
Inborn genetic diseases. Identifiers: MedGen C0950123, MeSH D030342.

Submission:

Ambry Genetics
Classification: Uncertain significance for Inborn genetic diseases. Last evaluated: 2026-01-14. Review status: criteria provided, single submitter. Criteria: Ambry Variant Classification Scheme 2023. Collection method: clinical testing. Allele origin: germline.
Comment: The p.V246L variant (also known as c.736G>T), located in coding exon 7 of the USB1 gene, results from a G to T substitution at nucleotide position 736. The valine at codon 246 is replaced by leucine, an amino acid with highly similar properties. This amino acid position is conserved. In addition, this alteration is predicted to be tolerated by in silico analysis. Based on the available evidence, the clinical significance of this variant remains unclear.